The following is an entry in ClinVar:

ClinVar aggregate classification (germline): Uncertain significance (1 of 4 stars; one submission).

Conditions:
Amyotrophic lateral sclerosis type 12 (ALS12). Also called: AMYOTROPHIC LATERAL SCLEROSIS 12 WITH OR WITHOUT FRONTOTEMPORAL DEMENTIA. Identifiers: Orphanet 803, MedGen C3150692, MONDO:0013264, OMIM 613435.
Glaucoma 1, open angle, E. Identifiers: MedGen C1842026, MONDO:0007665.
Primary open angle glaucoma (POAG). Also called: OPTN-related open angle glaucoma. Identifiers: MedGen C0339573, MONDO:0100553, OMIM 137760.

Submission:

Labcorp Genetics (formerly Invitae), Labcorp
Classification: Uncertain significance for Primary open angle glaucoma; Glaucoma 1, open angle, E; Amyotrophic lateral sclerosis type 12. Last evaluated: 2023-07-16. Review status: criteria provided, single submitter. Criteria: Invitae Variant Classification Sherloc (09022015). Collection method: clinical testing. Allele origin: germline.
Comment: In summary, the available evidence is currently insufficient to determine the role of this variant in disease. Therefore, it has been classified as a Variant of Uncertain Significance. Advanced modeling of protein sequence and biophysical properties (such as structural, functional, and spatial information, amino acid conservation, physicochemical variation, residue mobility, and thermodynamic stability) performed at Invitae indicates that this missense variant is not expected to disrupt OPTN protein function. This variant has not been reported in the literature in individuals affected with OPTN-related conditions. This variant is present in population databases (no rsID available, gnomAD 0.0009%). This sequence change replaces asparagine, which is neutral and polar, with isoleucine, which is neutral and non-polar, at codon 341 of the OPTN protein (p.Asn341Ile).

NM_001008212.2(OPTN):c.1022A>T (p.Asn341Ile)

Gene: OPTN (optineurin; plus strand). Cytogenetic location: 10p13.
Variant type: single nucleotide variant.
Coding change: c.1022A>T on transcript NM_001008212.2 (MANE Select); coding-DNA position 1022, A replaced by T.
Protein change: p.Asn341Ile; replaces asparagine 341 with isoleucine.
Molecular consequence: missense variant.
Genome position (GRCh38, 1-based): chr10:13,125,441, A>T. VCF-style: chr10-13125441-A-T. GRCh37 (hg19) VCF-style: chr10-13167441-A-T.
Other names: c.1022A>T, p.Asn341Ile (NM_001008211.1, NM_001008213.1, NM_021980.4); short protein forms N341I.
Identifiers: ClinVar variation 2934325 (VCV002934325.3), dbSNP rs1166767647, ClinGen allele CA376029243.